The following is an entry in ClinVar:

ClinVar aggregate classification (germline): Conflicting classifications of pathogenicity. Review status: criteria provided, conflicting classifications (1 of 4 stars). 6 submissions from 5 submitters: Uncertain significance (5); Likely benign (1). Last evaluated 2025-11-09.

Conditions:
Hereditary cancer-predisposing syndrome. Also called: Hereditary neoplastic syndrome; Neoplastic Syndromes, Hereditary; Tumor predisposition; Hereditary Cancer Syndrome. Identifiers: Orphanet 140162, MedGen C0027672, MeSH D009386, MONDO:0015356.
Cardiovascular phenotype. Identifiers: MedGen CN230736.
Juvenile myelomonocytic leukemia (JMML). Also called: LEUKEMIA, JUVENILE MYELOMONOCYTIC, SOMATIC. Identifiers: Orphanet 86834, MedGen C0349639, MONDO:0011908, OMIM 607785, HP:0012209.
Neurofibromatosis, type 1 (NF1). Also called: VON RECKLINGHAUSEN DISEASE; Peripheral type neurofibromatosis; NEUROFIBROMATOSIS, TYPE I, SOMATIC; Neurofibromatosis, type I. Identifiers: Orphanet 636, MedGen C0027831, MONDO:0018975, OMIM 162200. Disease mechanism: loss of function.

Allele frequency attached by ClinVar (database versions not stated): gnomAD exomes below 0.00001; ExAC 0.00001; gnomAD 0.00001; TOPMed 0.00001; ESP Exome Variant Server 0.00008.
gnomAD v4.1: 3 of 1,614,012 alleles (0.00019%); highest among the groups gnomAD compares: Non-Finnish European, 0.00025%; no homozygotes.

Submissions (6):

Labcorp Genetics (formerly Invitae), Labcorp
Classification: Likely benign for Neurofibromatosis, type 1. Last evaluated: 2025-11-09. Review status: criteria provided, single submitter. Criteria: Invitae Variant Classification Sherloc (09022015). Collection method: clinical testing. Allele origin: germline.

GeneDx
Classification: Uncertain significance. Last evaluated: 2024-09-27. Review status: criteria provided, single submitter. Criteria: GeneDx Variant Classification Process June 2021. Collection method: clinical testing. Allele origin: germline. Affected: yes.
Comment: In silico analysis indicates that this missense variant does not alter protein structure/function; Has not been previously published as pathogenic or benign to our knowledge

Baylor Genetics
Classification: Uncertain significance for Juvenile myelomonocytic leukemia. Last evaluated: 2023-09-04. Review status: criteria provided, single submitter. Criteria: ACMG Guidelines, 2015. Collection method: clinical testing. Allele origin: unknown.

Ambry Genetics
Classification: Uncertain significance for Cardiovascular phenotype; Hereditary cancer-predisposing syndrome. Last evaluated: 2022-10-21. Review status: criteria provided, single submitter. Criteria: Ambry Variant Classification Scheme 2023. Collection method: clinical testing. Allele origin: germline.

Genome-Nilou Lab
Classification: Uncertain significance for Neurofibromatosis, type 1. Last evaluated: 2022-03-15. Review status: criteria provided, single submitter. Criteria: ACMG Guidelines, 2015. Collection method: clinical testing. Allele origin: germline. Affected: no.

Ambry Genetics
Classification: Uncertain significance for Hereditary cancer-predisposing syndrome. Last evaluated: 2015-12-30. Review status: criteria provided, single submitter. Criteria: Ambry Autosomal Dominant and X-Linked criteria (10/2015). Collection method: clinical testing. Allele origin: germline. Observed: 1 variant allele.
Comment: The p.R125H variant (also known as c.374G>A), located in coding exon 4 of the NF1 gene, results from a G to A substitution at nucleotide position 374. The arginine at codon 125 is replaced by histidine, an amino acid with highly similar properties. This variant was previously reported in the SNPDatabase as rs149003051. Based on data from the NHLBI Exome Sequencing Project (ESP), the A allele has an overall frequency of approximately 0.01% (1/13006) total alleles studied and 0.01% (1/8600) European American alleles. To date, this alteration has been detected with an allele frequency of approximately 0.001% (greater than 110000alleles tested) in our clinical cohort.This amino acid position is highly conserved in available vertebrate species. In addition, this alteration is predicted to be deleterious by in silico analysis.Since supporting evidence is limited at this time, the clinical significance of p.R125H remains unclear.

NM_001042492.3(NF1):c.374G>A (p.Arg125His)

Gene: NF1 (neurofibromin 1; plus strand). Cytogenetic location: 17q11.2.
Variant type: single nucleotide variant.
Coding change: c.374G>A on transcript NM_001042492.3 (MANE Select); coding-DNA position 374, G replaced by A.
Protein change: p.Arg125His; replaces arginine 125 with histidine.
Molecular consequence: missense variant.
Genome position (GRCh38, 1-based): chr17:31,163,271, G>A. VCF-style: chr17-31163271-G-A. GRCh37 (hg19) VCF-style: chr17-29490289-G-A.
Other names: c.374G>A, p.Arg125His (NM_000267.4, NM_001128147.3); short protein forms R125H.
Identifiers: ClinVar variation 480081 (VCV000480081.15), dbSNP rs149003051, ClinGen allele CA8485533.